The following is an entry in ClinVar:

ClinVar aggregate classification (germline): Benign. Review status: criteria provided, single submitter (1 of 4 stars). 2 submissions from 2 submitters: Benign (1). 1 of the submissions does not count toward it. Last evaluated 2025-09-01.

Conditions:
PPA2-related disorder. Also called: PPA2-related disorders; PPA2-related condition.

Submissions (2):

Labcorp Genetics (formerly Invitae), Labcorp
Classification: Benign. Last evaluated: 2025-09-01. Review status: criteria provided, single submitter. Criteria: Invitae Variant Classification Sherloc (09022015). Collection method: clinical testing. Allele origin: germline.

PreventionGenetics, part of Exact Sciences
Classification: Likely benign for PPA2-related condition. Last evaluated: 2019-08-09. Review status: no assertion criteria provided. Collection method: clinical testing. Allele origin: germline. Not counted in ClinVar's aggregate classification.
Comment: This variant is classified as likely benign based on ACMG/AMP sequence variant interpretation guidelines (Richards et al. 2015 PMID: 25741868, with internal and published modifications).

NM_176869.3(PPA2):c.442-7dup

Gene: PPA2 (inorganic pyrophosphatase 2; minus strand). Cytogenetic location: 4q24.
Variant type: Duplication.
Coding change: c.442-7dup on transcript NM_176869.3 (MANE Select); 7 bases into the intron before coding-DNA position 442, one base duplicated (A; older notation c.442-7dupA).
Molecular consequence: intron variant.
Genome position (GRCh38, 1-based): chr4:105,438,043, T duplicated on the plus strand (A on the coding strand, the reverse complement: PPA2 is on the minus strand); the first of 10 consecutive T bases (chr4:105,438,043-105,438,052); duplicating any one gives the same sequence. VCF-style (leftmost placement, unchanged base first): chr4-105438042-A-AT. GRCh37 (hg19) VCF-style: chr4-106359199-A-AT.
Other names: c.157+35851dup (NM_176867.3); c.223-13721dup (NM_176866.2); c.441+8340dup (NM_006903.4); c.442-7dupA (NM_176869.2).
Identifiers: ClinVar variation 2862534 (VCV002862534.5), dbSNP rs753176486, ClinGen allele CA3032528.